The following is an entry in ClinVar:

ClinVar aggregate classification (germline): Uncertain significance. Review status: criteria provided, multiple submitters, no conflicts (2 of 4 stars). 2 submissions from 2 submitters: Uncertain significance (2). Last evaluated 2025-03-23.

Conditions:
Arrhythmogenic right ventricular dysplasia 13. Also called: ARRHYTHMOGENIC RIGHT VENTRICULAR CARDIOMYOPATHY 13; Arrhythmogenic right ventricular dysplasia, familial, 13. Identifiers: MedGen C3810138, MONDO:0000908, OMIM 615616.

Allele frequency attached by ClinVar (database versions not stated): gnomAD 0.00001; ExAC 0.00002.
gnomAD v4.1: 11 of 1,613,480 alleles (0.00068%); highest among the groups gnomAD compares: Middle Eastern, 0.016%; 1 homozygote.

Submissions (2):

Ambry Genetics
Classification: Uncertain significance. Last evaluated: 2025-03-23. Review status: criteria provided, single submitter. Criteria: Ambry Variant Classification Scheme 2023. Collection method: clinical testing. Allele origin: germline.
Comment: The p.L397F variant (also known as c.1191G>T), located in coding exon 8 of the CTNNA3 gene, results from a G to T substitution at nucleotide position 1191. The leucine at codon 397 is replaced by phenylalanine, an amino acid with highly similar properties. This amino acid position is conserved. In addition, this alteration is predicted to be tolerated by in silico analysis. Based on the available evidence, the clinical significance of this variant remains unclear.

Labcorp Genetics (formerly Invitae), Labcorp
Classification: Uncertain significance for Arrhythmogenic right ventricular dysplasia 13. Last evaluated: 2023-10-04. Review status: criteria provided, single submitter. Criteria: Invitae Variant Classification Sherloc (09022015). Collection method: clinical testing. Allele origin: germline.
Comment: This sequence change replaces leucine, which is neutral and non-polar, with phenylalanine, which is neutral and non-polar, at codon 397 of the CTNNA3 protein (p.Leu397Phe). This variant is present in population databases (rs751931703, gnomAD 0.003%). This variant has not been reported in the literature in individuals affected with CTNNA3-related conditions. Advanced modeling of protein sequence and biophysical properties (such as structural, functional, and spatial information, amino acid conservation, physicochemical variation, residue mobility, and thermodynamic stability) has been performed at Invitae for this missense variant, however the output from this modeling did not meet the statistical confidence thresholds required to predict the impact of this variant on CTNNA3 protein function. Algorithms developed to predict the effect of sequence changes on RNA splicing suggest that this variant may create or strengthen a splice site. In summary, the available evidence is currently insufficient to determine the role of this variant in disease. Therefore, it has been classified as a Variant of Uncertain Significance.

NM_013266.4(CTNNA3):c.1191G>T (p.Leu397Phe)

Gene: CTNNA3 (catenin alpha 3; minus strand). Cytogenetic location: 10q21.3.
Variant type: single nucleotide variant.
Coding change: c.1191G>T on transcript NM_013266.4 (MANE Select); coding-DNA position 1191, G replaced by T.
Protein change: p.Leu397Phe; replaces leucine 397 with phenylalanine.
Molecular consequence: missense variant.
Genome position (GRCh38, 1-based): chr10:66,766,354, C>A on the plus strand (G>T on the coding strand, the complement: CTNNA3 is on the minus strand). VCF-style: chr10-66766354-C-A. GRCh37 (hg19) VCF-style: chr10-68526112-C-A.
Other names: c.1191G>T (NM_013266.2); c.1191G>T, p.Leu397Phe (NM_001127384.3); short protein forms L397F.
Identifiers: ClinVar variation 2714566 (VCV002714566.4), dbSNP rs751931703, ClinGen allele CA5520028.